The following is an entry in ClinVar:

NM_001114633.2(PLA2G4B):c.683G>T (p.Arg228Met)

Genes: JMJD7-PLA2G4B (JMJD7-PLA2G4B readthrough; plus strand), PLA2G4B (phospholipase A2 group IVB; plus strand). Cytogenetic location: 15q15.1.
Variant type: single nucleotide variant.
Coding change: c.683G>T on transcript NM_001114633.2 (MANE Select); coding-DNA position 683, G replaced by T.
Protein change: p.Arg228Met; replaces arginine 228 with methionine.
Molecular consequence: missense variant.
Genome position (GRCh38, 1-based): chr15:41,842,254, G>T. VCF-style: chr15-41842254-G-T. GRCh37 (hg19) VCF-style: chr15-42134452-G-T.
Other names: c.1376G>T, p.Arg459Met (NM_001198588.2, NM_005090.4); short protein forms R228M, R459M.
Identifiers: ClinVar variation 3042686 (VCV003042686.8), dbSNP rs145740135, ClinGen allele CA7499740.
Genomic context (GRCh38, chr15:41,842,254, plus strand): 5'-ATGCCCCCGAGGAGCAACTAAAGGCGCCACTGAGTGCCCTGCCCTCTGGTCAAGTGGTGA[G>T]GCTTGTCTTCCCCACGTCCCAGGTACTGGCCTCCCAGGGAAGGAAGCAAGGCGCCTGGAT-3'
Protein context (NP_001108105.1, residues 218-238): LSALPSGQVV[Arg228Met]LVFPTSQEPL

ClinVar aggregate classification (germline): Conflicting classifications of pathogenicity. Review status: criteria provided, conflicting classifications (1 of 4 stars). 3 submissions from 3 submitters: Uncertain significance (1); Likely benign (1). 1 of the submissions does not count toward it. Last evaluated 2025-12-01.

Conditions:
JMJD7-PLA2G4B-related disorder. Also called: JMJD7-PLA2G4B-related condition.

Allele frequency attached by ClinVar (database versions not stated): 1000 Genomes Project 30x 0.00016; 1000 Genomes Project 0.00020; TOPMed 0.00065; ExAC 0.00076; ESP Exome Variant Server 0.00085; gnomAD 0.00096.
gnomAD v4.1: 1,596 of 1,614,080 alleles (0.099%); highest among the groups gnomAD compares: Non-Finnish European, 0.11%; 4 homozygotes.

Submissions (3):

CeGaT Center for Human Genetics Tuebingen
Classification: Likely benign. Last evaluated: 2025-12-01. Review status: criteria provided, single submitter. Criteria: CeGaT Center For Human Genetics Tuebingen Variant Classification Criteria Version 2. Collection method: clinical testing. Allele origin: germline. Affected: yes. Observed: 1 variant allele.
Comment: JMJD7-PLA2G4B: BP4, BS2; PLA2G4B: BP4, BS2

Ambry Genetics
Classification: Uncertain significance. Last evaluated: 2022-04-07. Review status: criteria provided, single submitter. Criteria: Ambry Variant Classification Scheme 2023. Collection method: clinical testing. Allele origin: germline.

PreventionGenetics, part of Exact Sciences
Classification: Likely benign for JMJD7-PLA2G4B-related condition. Last evaluated: 2019-03-13. Review status: no assertion criteria provided. Collection method: clinical testing. Allele origin: germline. Not counted in ClinVar's aggregate classification.
Comment: This variant is classified as likely benign based on ACMG/AMP sequence variant interpretation guidelines (Richards et al. 2015 PMID: 25741868, with internal and published modifications).